The following is an entry in ClinVar:

NM_000135.4(FANCA):c.1566+6C>G

Gene: FANCA (FA complementation group A; minus strand). Cytogenetic location: 16q24.3.
Variant type: single nucleotide variant.
Coding change: c.1566+6C>G on transcript NM_000135.4 (MANE Select); 6 bases into the intron after coding-DNA position 1566, C replaced by G.
Molecular consequence: intron variant.
Genome position (GRCh38, 1-based): chr16:89,783,001, G>C on the plus strand (C>G on the coding strand, the complement: FANCA is on the minus strand). VCF-style: chr16-89783001-G-C. GRCh37 (hg19) VCF-style: chr16-89849409-G-C.
Other names: c.1566+6C>G (NM_001286167.3, NM_000135.2).
Identifiers: ClinVar variation 1060359 (VCV001060359.10), dbSNP rs886939126, ClinGen allele CA286579074.

ClinVar aggregate classification (germline): Uncertain significance. Review status: criteria provided, multiple submitters, no conflicts (2 of 4 stars). 5 submissions from 5 submitters: Uncertain significance (4). 1 of the submissions does not count toward it. Last evaluated 2026-07-17.

Conditions:
Fanconi anemia (FA). Also called: Fanconi's anemia. Identifiers: Orphanet 84, MedGen C0015625, MeSH D005199, MONDO:0019391.
FANCA-related disorder. Also called: FANCA-related condition.
Fanconi anemia complementation group A (FANCA). Also called: FANCA-Related Fanconi Anemia; Fanconi anemia, group A. Identifiers: Orphanet 84, MedGen C3469521, MONDO:0009215, OMIM 227650.

Allele frequency attached by ClinVar (database versions not stated): gnomAD exomes below 0.00001 and 0.00001; TOPMed 0.00001; gnomAD 0.00002.
gnomAD v4.1: 9 of 1,613,638 alleles (0.00056%); highest among the groups gnomAD compares: African/African-American, 0.004%; no homozygotes.

Submissions (5):

PreventionGenetics, part of Exact Sciences
Classification: Uncertain significance for FANCA-related condition. Last evaluated: 2026-07-17. Review status: criteria provided, single submitter. Criteria: ACMG Guidelines, 2015. Collection method: clinical testing. Allele origin: germline.
Comment: The FANCA c.1566+6C>G variant is predicted to interfere with splicing. To our knowledge, this variant has not been reported in the literature. This variant is predicted to alter splicing based on available splicing prediction programs (SpliceAI, Jaganathan et al. 2019. PubMed ID: 30661751). However, the use of computer prediction programs is not equivalent to functional evidence. This variant is reported in 0.0040% of alleles in individuals of African descent in gnomAD. This variant is interpreted as uncertain in ClinVar (Variation ID: 1060359). At this time, the clinical significance of this variant is uncertain due to the absence of conclusive functional and genetic evidence.

St. Jude Molecular Pathology, St. Jude Children's Research Hospital
Classification: Uncertain significance for Fanconi anemia complementation group A. Last evaluated: 2024-05-01. Review status: criteria provided, single submitter. Criteria: St. Jude Assertion Criteria 2020. Collection method: clinical testing. Allele origin: germline.
Comment: The FANCA c.1566+6C>G intronic change results in a C to G substitution at the +6 position of intron 16 of the FANCA gene. Algorithms that predict the impact of sequence changes on splicing indicate that this variant may impact splicing. This variant has a maximum subpopulation frequency of 0.004% in gnomAD v2.1.1. To our knowledge, this variant has not been reported in individuals with Fanconi anemia. In summary, the evidence currently available is insufficient to determine the clinical significance of this variant. It has therefore been classified as of uncertain significance.

Labcorp Genetics (formerly Invitae), Labcorp
Classification: Uncertain significance for Fanconi anemia. Last evaluated: 2022-08-16. Review status: criteria provided, single submitter. Criteria: Invitae Variant Classification Sherloc (09022015). Collection method: clinical testing. Allele origin: germline.
Comment: This sequence change falls in intron 16 of the FANCA gene. It does not directly change the encoded amino acid sequence of the FANCA protein. It affects a nucleotide within the consensus splice site. This variant is present in population databases (no rsID available, gnomAD 0.004%). This variant has not been reported in the literature in individuals affected with FANCA-related conditions. ClinVar contains an entry for this variant (Variation ID: 1060359). Variants that disrupt the consensus splice site are a relatively common cause of aberrant splicing (PMID: 17576681, 9536098). Algorithms developed to predict the effect of sequence changes on RNA splicing suggest that this variant may create or strengthen a splice site. In summary, the available evidence is currently insufficient to determine the role of this variant in disease. Therefore, it has been classified as a Variant of Uncertain Significance.

Fulgent Genetics
Classification: Uncertain significance for Fanconi anemia complementation group A. Last evaluated: 2021-09-03. Review status: criteria provided, single submitter. Criteria: ACMG Guidelines, 2015. Collection method: clinical testing. Allele origin: unknown.

Natera, Inc.
Classification: Uncertain significance for Fanconi anemia. Last evaluated: 2020-10-27. Review status: no assertion criteria provided. Collection method: clinical testing. Allele origin: germline. Not counted in ClinVar's aggregate classification.

Literature cited by the submitters: PubMed 17576681 (cited by Labcorp Genetics (formerly Invitae), Labcorp); PubMed 9536098 (cited by Labcorp Genetics (formerly Invitae), Labcorp).